The following is an entry in ClinVar:

NM_001364905.1(LRBA):c.6487A>G (p.Lys2163Glu)

Gene: LRBA (LPS responsive beige-like anchor protein; minus strand). Cytogenetic location: 4q31.3.
Variant type: single nucleotide variant.
Coding change: c.6487A>G on transcript NM_001364905.1 (MANE Select); coding-DNA position 6487, A replaced by G.
Protein change: p.Lys2163Glu; replaces lysine 2163 with glutamic acid.
Molecular consequence: missense variant.
Genome position (GRCh38, 1-based): chr4:150,487,796, T>C on the plus strand (A>G on the coding strand, the complement: LRBA is on the minus strand). VCF-style: chr4-150487796-T-C. GRCh37 (hg19) VCF-style: chr4-151408948-T-C.
Other names: c.6487A>G, p.Lys2163Glu (NM_001199282.3, NM_001367550.1); c.6520A>G, p.Lys2174Glu (NM_006726.5); short protein forms K2163E, K2174E.
Identifiers: ClinVar variation 3600793 (VCV003600793.2).

ClinVar aggregate classification (germline): Uncertain significance. Review status: criteria provided, multiple submitters, no conflicts (2 of 4 stars). 2 submissions from 2 submitters: Uncertain significance (2). Last evaluated 2024-09-19.

gnomAD v4.1: 3 of 1,597,298 alleles (0.00019%); highest among the groups gnomAD compares: African/African-American, 0.0027%; no homozygotes.

Submissions (2):

Blueprint Genetics
Classification: Uncertain significance. Last evaluated: 2024-09-19. Review status: criteria provided, single submitter. Criteria: ACMG Guidelines, 2015. Collection method: clinical testing. Allele origin: germline.

GeneDx
Classification: Uncertain significance. Last evaluated: 2024-07-20. Review status: criteria provided, single submitter. Criteria: GeneDx Variant Classification Process June 2021. Collection method: clinical testing. Allele origin: germline. Affected: yes.
Comment: In silico analysis supports that this missense variant has a deleterious effect on protein structure/function; Has not been previously published as pathogenic or benign to our knowledge